The following is an entry in ClinVar:

NM_018230.3(NUP133):c.2186A>G (p.Asn729Ser)

Gene: NUP133 (nucleoporin 133; minus strand). Cytogenetic location: 1q42.13.
Variant type: single nucleotide variant.
Coding change: c.2186A>G on transcript NM_018230.3 (MANE Select); coding-DNA position 2186, A replaced by G.
Protein change: p.Asn729Ser; replaces asparagine 729 with serine.
Molecular consequence: missense variant.
Genome position (GRCh38, 1-based): chr1:229,466,647, T>C on the plus strand (A>G on the coding strand, the complement: NUP133 is on the minus strand). VCF-style: chr1-229466647-T-C. GRCh37 (hg19) VCF-style: chr1-229602394-T-C.
Other names: short protein forms N729S.
Identifiers: ClinVar variation 3685188 (VCV003685188.2).

ClinVar aggregate classification (germline): Uncertain significance (1 of 4 stars; one submission).

Submission:

Labcorp Genetics (formerly Invitae), Labcorp
Classification: Uncertain significance. Last evaluated: 2024-07-22. Review status: criteria provided, single submitter. Criteria: Invitae Variant Classification Sherloc (09022015). Collection method: clinical testing. Allele origin: germline.
Comment: This sequence change replaces asparagine, which is neutral and polar, with serine, which is neutral and polar, at codon 729 of the NUP133 protein (p.Asn729Ser). This variant is not present in population databases (gnomAD no frequency). This variant has not been reported in the literature in individuals affected with NUP133-related conditions. An algorithm developed to predict the effect of missense changes on protein structure and function (PolyPhen-2) suggests that this variant is likely to be disruptive. Algorithms developed to predict the effect of sequence changes on RNA splicing suggest that this variant may create or strengthen a splice site. In summary, the available evidence is currently insufficient to determine the role of this variant in disease. Therefore, it has been classified as a Variant of Uncertain Significance.